The following is an entry in ClinVar:

ClinVar aggregate classification (germline): Conflicting classifications of pathogenicity. Review status: criteria provided, conflicting classifications (1 of 4 stars). 2 submissions from 2 submitters: Likely pathogenic (1); Uncertain significance (1). Last evaluated 2025-11-12.

Conditions:
Wilson disease (WND). Also called: Wilson's disease. Identifiers: Orphanet 905, MedGen C0019202, MONDO:0010200, OMIM 277900. Disease mechanism: loss of function.

Submissions (2):

Myriad Genetics, Inc.
Classification: Uncertain significance for Wilson disease. Last evaluated: 2025-11-12. Review status: criteria provided, single submitter. Criteria: Myriad Autosomal Dominant, Autosomal Recessive and X-Linked Classification Criteria (2023). Collection method: clinical testing. Allele origin: unknown.
Comment: NM_000053.3(ATP7B):c.2128G>T(G710C) is a missense variant classified as a variant of uncertain significance in the context of Wilson disease. G710C has been observed in a case with relevant disease (PMID: 27982432). Relevant functional assessments of this variant are not available in the literature. G710C has not been observed in referenced population frequency databases. In summary, there is insufficient evidence to classify NM_000053.3(ATP7B):c.2128G>T(G710C) as pathogenic or benign. Please note: this variant was assessed in the context of healthy population screening.

Juno Genomics, Hangzhou Juno Genomics, Inc
Classification: Likely pathogenic for Wilson disease. Review status: criteria provided, single submitter. Criteria: ACMG Guidelines, 2015. Collection method: clinical testing. Allele origin: germline.
Comment: Absent from controls (or at extremely low frequency if recessive) in Genome Aggregation Database.;Novel missense change at an amino acid residue where a different missense change determined to be pathogenic has been seen before.;Multiple lines of computational evidence support a deleterious effect on the gene or gene product.;Patient's phenotype or family history is highly specific for a disease with a single genetic etiology.

Literature cited by the submitters: PubMed 27982432 (cited by Myriad Genetics, Inc.).

NM_000053.4(ATP7B):c.2128G>T (p.Gly710Cys)

Gene: ATP7B (ATPase copper transporting beta; minus strand). Cytogenetic location: 13q14.3.
Variant type: single nucleotide variant.
Coding change: c.2128G>T on transcript NM_000053.4 (MANE Select); coding-DNA position 2128, G replaced by T.
Protein change: p.Gly710Cys; replaces glycine 710 with cysteine.
Molecular consequence: missense variant. On other transcripts: intron variant (20).
Genome position (GRCh38, 1-based): chr13:51,958,538, C>A on the plus strand (G>T on the coding strand, the complement: ATP7B is on the minus strand). VCF-style: chr13-51958538-C-A. GRCh37 (hg19) VCF-style: chr13-52532674-C-A.
Other names: c.1795G>T, p.Gly599Cys (NM_001243182.2); c.1876G>T, p.Gly626Cys (NM_001330579.2, NM_001406531.1, NM_001406532.1 and 1 more transcripts); c.2128G>T, p.Gly710Cys (NM_001406511.1, NM_001406512.1, NM_001406513.1 and 7 more transcripts); c.2095G>T, p.Gly699Cys (NM_001406514.1); c.2032G>T, p.Gly678Cys (NM_001406517.1, NM_001406518.1); c.1699G>T, p.Gly567Cys (NM_001406539.1); c.1780G>T, p.Gly594Cys (NM_001406543.1); c.1870-931G>T (NM_001406541.1, NM_001005918.3, NM_001406546.1 and 1 more transcripts); and 8 more; short protein forms G678C, G567C, G599C, G699C, G594C, G626C, G710C.
Identifiers: ClinVar variation 5003484 (VCV005003484.2).